The following is an entry in ClinVar:

ClinVar aggregate classification (germline): Uncertain significance (1 of 4 stars; one submission).

Conditions:
Cardiovascular phenotype. Identifiers: MedGen CN230736.

gnomAD v4.1: 3 of 1,613,870 alleles (0.00019%); highest among the groups gnomAD compares: Non-Finnish European, 0.00025%; no homozygotes.

Submission:

Ambry Genetics
Classification: Uncertain significance for Cardiovascular phenotype. Last evaluated: 2025-01-31. Review status: criteria provided, single submitter. Criteria: Ambry Variant Classification Scheme 2023. Collection method: clinical testing. Allele origin: germline.
Comment: The p.V577A variant (also known as c.1730T>C), located in coding exon 10 of the SOS2 gene, results from a T to C substitution at nucleotide position 1730. The valine at codon 577 is replaced by alanine, an amino acid with similar properties. This amino acid position is conserved. In addition, this alteration is predicted to be tolerated by in silico analysis. Based on the available evidence, the clinical significance of this variant remains unclear.

NM_006939.4(SOS2):c.1730T>C (p.Val577Ala)

Gene: SOS2 (SOS Ras/Rho guanine nucleotide exchange factor 2; minus strand). Cytogenetic location: 14q21.3.
Variant type: single nucleotide variant.
Coding change: c.1730T>C on transcript NM_006939.4 (MANE Select); coding-DNA position 1730, T replaced by C.
Protein change: p.Val577Ala; replaces valine 577 with alanine.
Molecular consequence: missense variant.
Genome position (GRCh38, 1-based): chr14:50,159,553, A>G on the plus strand (T>C on the coding strand, the complement: SOS2 is on the minus strand). VCF-style: chr14-50159553-A-G. GRCh37 (hg19) VCF-style: chr14-50626271-A-G.
Other names: c.1631T>C, p.Val544Ala (NM_001411020.1); short protein forms V577A, V544A.
Identifiers: ClinVar variation 3799918 (VCV003799918.1).
Genomic context (GRCh38, chr14:50,159,553, plus strand): 5'-GGGATGCCACTTCTACTTTGCAAGTTGTCTTCAAAAACAATGTTTTCCTCAGAGTCTTTT[A>G]CTACAAAACGATATACTTCAGGACTTGGTAATCTCAGTGGTTGCTCATTTTCTTCTTTCA-3'
Protein context (NP_008870.2, residues 567-587): LPSPEVYRFV[Val577Ala]KDSEENIVFE